The following is an entry in ClinVar:

ClinVar aggregate classification (germline): Uncertain significance (1 of 4 stars; one submission).

Conditions:
Immunodeficiency, common variable, 2 (CVID2). Also called: ANTIBODY DEFICIENCY DUE TO TACI DEFECT; HYPOGAMMAGLOBULINEMIA DUE TO TACI DEFICIENCY. Identifiers: Orphanet 1572, MedGen C3150354, MONDO:0009413, OMIM 240500.

Submission:

Labcorp Genetics (formerly Invitae), Labcorp
Classification: Uncertain significance for Immunodeficiency, common variable, 2. Last evaluated: 2022-09-19. Review status: criteria provided, single submitter. Criteria: Invitae Variant Classification Sherloc (09022015). Collection method: clinical testing. Allele origin: germline.
Comment: This sequence change replaces alanine, which is neutral and non-polar, with threonine, which is neutral and polar, at codon 161 of the TNFRSF13B protein (p.Ala161Thr). This variant is not present in population databases (gnomAD no frequency). This variant has not been reported in the literature in individuals affected with TNFRSF13B-related conditions. ClinVar contains an entry for this variant (Variation ID: 1003605). Advanced modeling of protein sequence and biophysical properties (such as structural, functional, and spatial information, amino acid conservation, physicochemical variation, residue mobility, and thermodynamic stability) has been performed at Invitae for this missense variant, however the output from this modeling did not meet the statistical confidence thresholds required to predict the impact of this variant on TNFRSF13B protein function. Algorithms developed to predict the effect of sequence changes on RNA splicing suggest that this variant may create or strengthen a splice site. In summary, the available evidence is currently insufficient to determine the role of this variant in disease. Therefore, it has been classified as a Variant of Uncertain Significance.

NM_012452.3(TNFRSF13B):c.481G>A (p.Ala161Thr)

Gene: TNFRSF13B (TNF receptor superfamily member 13B; minus strand). Cytogenetic location: 17p11.2.
Variant type: single nucleotide variant.
Coding change: c.481G>A on transcript NM_012452.3 (MANE Select); coding-DNA position 481, G replaced by A.
Protein change: p.Ala161Thr; replaces alanine 161 with threonine.
Molecular consequence: missense variant.
Genome position (GRCh38, 1-based): chr17:16,940,476, C>T on the plus strand (G>A on the coding strand, the complement: TNFRSF13B is on the minus strand). VCF-style: chr17-16940476-C-T. GRCh37 (hg19) VCF-style: chr17-16843790-C-T.
Other names: short protein forms A161T.
Identifiers: ClinVar variation 1003605 (VCV001003605.4), dbSNP rs2087502124, ClinGen allele CA398519657.